The following is an entry in ClinVar:

NM_015272.5(RPGRIP1L):c.2729T>C (p.Ile910Thr)

Gene: RPGRIP1L (RPGRIP1 like; minus strand). Cytogenetic location: 16q12.2.
Variant type: single nucleotide variant.
Coding change: c.2729T>C on transcript NM_015272.5 (MANE Select); coding-DNA position 2729, T replaced by C.
Protein change: p.Ile910Thr; replaces isoleucine 910 with threonine.
Molecular consequence: missense variant.
Genome position (GRCh38, 1-based): chr16:53,641,430, A>G on the plus strand (T>C on the coding strand, the complement: RPGRIP1L is on the minus strand). VCF-style: chr16-53641430-A-G. GRCh37 (hg19) VCF-style: chr16-53675342-A-G.
Other names: c.2729T>C, p.Ile910Thr (NM_001127897.4, NM_001308334.3, NM_001330538.2); short protein forms I910T.
Identifiers: ClinVar variation 1903243 (VCV001903243.5), dbSNP rs1401652634, ClinGen allele CA395927412.

ClinVar aggregate classification (germline): Uncertain significance (1 of 4 stars; one submission).

Conditions:
Meckel-Gruber syndrome. Also called: DYSENCEPHALIA SPLANCHNOCYSTICA; GRUBER SYNDROME; Dysencephalia splachnocystica. Identifiers: Orphanet 564, MedGen C0265215, MONDO:0018921.
Joubert syndrome. Also called: CEREBELLOPARENCHYMAL DISORDER IV; JOUBERT-BOLTSHAUSER SYNDROME; Familial aplasia of the vermis. Identifiers: Orphanet 475, MedGen C5979921, MONDO:0018772.

Allele frequency attached by ClinVar (database versions not stated): gnomAD exomes below 0.00001.
gnomAD v4.1: 1 of 1,613,984 alleles (0.000062%); highest among the groups gnomAD compares: East Asian, 0.0022%; no homozygotes.

Submission:

Labcorp Genetics (formerly Invitae), Labcorp
Classification: Uncertain significance for Joubert syndrome; Meckel-Gruber syndrome. Last evaluated: 2024-01-17. Review status: criteria provided, single submitter. Criteria: Invitae Variant Classification Sherloc (09022015). Collection method: clinical testing. Allele origin: germline.
Comment: This sequence change replaces isoleucine, which is neutral and non-polar, with threonine, which is neutral and polar, at codon 910 of the RPGRIP1L protein (p.Ile910Thr). This variant is present in population databases (no rsID available, gnomAD 0.006%). This variant has not been reported in the literature in individuals affected with RPGRIP1L-related conditions. ClinVar contains an entry for this variant (Variation ID: 1903243). Advanced modeling of protein sequence and biophysical properties (such as structural, functional, and spatial information, amino acid conservation, physicochemical variation, residue mobility, and thermodynamic stability) performed at Invitae indicates that this missense variant is expected to disrupt RPGRIP1L protein function with a positive predictive value of 80%. In summary, the available evidence is currently insufficient to determine the role of this variant in disease. Therefore, it has been classified as a Variant of Uncertain Significance.